The following is an entry in ClinVar:

ClinVar aggregate classification (germline): Pathogenic. Review status: criteria provided, multiple submitters, no conflicts (2 of 4 stars). 16 submissions from 16 submitters: Pathogenic (14). 2 of the submissions do not count toward it. Last evaluated 2026-01-06.

Conditions:
XPC-related disorder. Also called: XPC-related condition.
Xeroderma pigmentosum (XP). Identifiers: Orphanet 910, MedGen C0043346, MONDO:0019600.
Xeroderma pigmentosum, group C (XPC). Also called: Xeroderma pigmentosum, complementation group C; XPC-Related Xeroderma Pigmentosum; XERODERMA PIGMENTOSUM III; XP, GROUP C. Identifiers: Orphanet 910, MedGen C2752147, MONDO:0010211, OMIM 278720.

Allele frequency attached by ClinVar (database versions not stated): gnomAD exomes 0.00002; gnomAD 0.00006; TOPMed 0.00015.
gnomAD v4.1: 19 of 1,613,880 alleles (0.0012%); highest among the groups gnomAD compares: African/African-American, 0.019%; no homozygotes.

Submissions (16):

Labcorp Genetics (formerly Invitae), Labcorp
Classification: Pathogenic. Last evaluated: 2026-01-06. Review status: criteria provided, single submitter. Criteria: Invitae Variant Classification Sherloc (09022015). Collection method: clinical testing. Allele origin: germline.
Comment: This sequence change affects an acceptor splice site in intron 12 of the XPC gene. RNA analysis indicates that disruption of this splice site induces altered splicing and may result in an absent or altered protein product. This variant is present in population databases (rs754673606, gnomAD 0.02%). Disruption of this splice site has been observed in individual(s) with xeroderma pigmentosum (PMID: 21482201). It has also been observed to segregate with disease in related individuals. ClinVar contains an entry for this variant (Variation ID: 190213). Studies have shown that disruption of this splice site results in abnormal splicing, including skipping of exon 13, retention of intron 12, and/or a deletion of 44 nucleotides in exon 13, and produces a non-functional protein and/or introduces a premature termination codon (PMID: 21482201). For these reasons, this variant has been classified as Pathogenic.

Blueprint Genetics
Classification: Pathogenic for XPC-related disorders. Last evaluated: 2024-08-26. Review status: criteria provided, single submitter. Criteria: ACMG Guidelines, 2015. Collection method: clinical testing. Allele origin: germline. Affected: yes. Observed: 2 variant alleles.

Baylor Genetics
Classification: Pathogenic for Xeroderma pigmentosum, group C. Last evaluated: 2024-03-21. Review status: criteria provided, single submitter. Criteria: ACMG Guidelines, 2015. Collection method: clinical testing. Allele origin: unknown.

Genomic Medicine Center of Excellence, King Faisal Specialist Hospital and Research Centre
Classification: Pathogenic for Xeroderma pigmentosum, group C. Last evaluated: 2024-03-17. Review status: criteria provided, single submitter. Criteria: ACMG Guidelines, 2015. Collection method: research. Allele origin: germline.

Division of Human Genetics, National Health Laboratory Service/University of the Witwatersrand
Classification: Pathogenic for Xeroderma pigmentosum. Last evaluated: 2023-07-01. Review status: criteria provided, single submitter. Criteria: ACMG Guidelines, 2015. Collection method: research. Allele origin: germline. Affected: yes.

Laboratorio de Genetica e Diagnostico Molecular, Hospital Israelita Albert Einstein
Classification: Pathogenic for Xeroderma pigmentosum, group C. Last evaluated: 2022-10-31. Review status: criteria provided, single submitter. Criteria: ACMG Guidelines, 2015. Collection method: clinical testing. Allele origin: germline. Affected: yes. Observed: 2 variant alleles.
Comment: ACMG classification criteria: PVS1 very strong, PS3 supporting, PS4 strong, PM2 moderated, PM3 strong, PP1 supporting

GeneDx
Classification: Pathogenic. Last evaluated: 2022-04-25. Review status: criteria provided, single submitter. Criteria: GeneDx Variant Classification Process June 2021. Collection method: clinical testing. Allele origin: germline. Affected: yes.
Comment: Canonical splice site variant in a gene for which loss-of-function is a known mechanism of disease; This variant is associated with the following publications: (PMID: 31930276, 21482201, 29753700, 26884178, 29569758, 31589614, 33672602)

Myriad Genetics, Inc.
Classification: Pathogenic for Xeroderma pigmentosum, group C. Last evaluated: 2021-11-19. Review status: criteria provided, single submitter. Criteria: Myriad Women's Health Autosomal Recessive and X-Linked Classification Criteria (2021). Collection method: clinical testing. Allele origin: unknown.
Comment: NM_004628.4(XPC):c.2251-1G>C is a canonical splice variant classified as pathogenic in the context of xeroderma pigmentosum group C. c.2251-1G>C has been observed in cases with relevant disease (PMID: 21482201). Functional assessments of this variant are not available in the literature. c.2251-1G>C has been observed in population frequency databases (gnomAD: AFR 0.04%). In summary, NM_004628.4(XPC):c.2251-1G>C is a canonical splice variant in a gene where loss of function is a known mechanism of disease, is predicted to disrupt protein function, and has been observed more frequently in cases with the relevant disease than in healthy populations. Please note: this variant was assessed in the context of healthy population screening.

CeGaT Center for Human Genetics Tuebingen
Classification: Pathogenic. Last evaluated: 2021-06-01. Review status: criteria provided, single submitter. Criteria: CeGaT Center For Human Genetics Tuebingen Variant Classification Criteria Version 2. Collection method: clinical testing. Allele origin: germline. Affected: yes. Observed: 1 variant allele.

DNA Repair Laboratory, Institute of Biomedical Sciences - University of Sao Paulo
Classification: Pathogenic for Xeroderma pigmentosum, group C. Last evaluated: 2021-03-01. Review status: criteria provided, single submitter. Criteria: DNA Repair Laboratory Assertion Criteria. Collection method: research. Allele origin: germline. Affected: yes. Observed: 1 variant allele.

Fulgent Genetics
Classification: Pathogenic for Xeroderma pigmentosum, group C. Last evaluated: 2018-10-31. Review status: criteria provided, single submitter. Criteria: ACMG Guidelines, 2015. Collection method: clinical testing. Allele origin: unknown.

Women's Health and Genetics/Laboratory Corporation of America, LabCorp
Classification: Pathogenic for Xeroderma pigmentosum. Last evaluated: 2017-07-11. Review status: criteria provided, single submitter. Criteria: LabCorp Variant Classification Summary - May 2015. Collection method: clinical testing. Allele origin: germline.
Comment: Variant summary: The XPC c.2251-1G>C variant involves the alteration of a conserved intronic nucleotide. One in silico tool predicts a damaging outcome for this variant. 5/5 splice prediction tools predict a significant impact on normal splicing. Functional studies proved the exon skipping and the absence of the XPC protein associated with impaired DNA synthesis in XP patients cultured fibroblasts (Cartault_DNA_Repair_2011, Fassihi_PNAS_2016). This variant was found in 2/120678 control chromosomes at a frequency of 0.0000166, which does not exceed the estimated maximal expected allele frequency of a pathogenic XPC variant (0.0014142). This variant is reported in multiple homozygous XP patients (Cartault_DNA_Repair_2011, Fassihi_PNAS_2016). In addition, one clinical diagnostic laboratory classified this variant as pathogenic. Taken together, this variant is classified as pathogenic.

Medical Molecular Genetics Department, National Research Center
Classification: Pathogenic for Xeroderma pigmentosum, group C. Last evaluated: 2015-12-01. Review status: criteria provided, single submitter. Criteria: ACMG Guidelines, 2015. Collection method: research. Allele origin: germline. Inheritance: Autosomal recessive inheritance. Affected: yes. Observed: 4 variant alleles, 4 homozygotes.

Claritas Genomics
Classification: Pathogenic for Xeroderma pigmentosum, group C. Last evaluated: 2007-10-17. Review status: criteria provided, single submitter. Criteria: ACMG Guidelines, 2007. Collection method: clinical testing. Allele origin: germline. Inheritance: Autosomal recessive inheritance.

PreventionGenetics, part of Exact Sciences
Classification: Pathogenic for XPC-related condition. Last evaluated: 2023-12-21. Review status: no assertion criteria provided. Collection method: clinical testing. Allele origin: germline. Not counted in ClinVar's aggregate classification.
Comment: The XPC c.2251-1G>C variant is predicted to disrupt the AG splice acceptor site and interfere with normal splicing. This variant has been reported in the homozygous or compound heterozygous state in individuals with xeroderma pigmentosum (see for example, Santiago et al. 2020. PubMed ID: 32239545; Fassihi et al. 2016. PubMed ID: 26884178; reported as IVS 12-1G>C in Cartault et al. 2011. PubMed ID: 21482201). This variant is reported in 0.025% of alleles in individuals of African descent in gnomAD. Variants that disrupt the consensus splice acceptor site in XPC are expected to be pathogenic. This variant is interpreted as pathogenic.

Dr.Nikuei Genetic Center
Classification: Pathogenic for Xeroderma pigmentosum, group C. Review status: no assertion criteria provided. Collection method: clinical testing. Allele origin: germline. Inheritance: Autosomal recessive inheritance. Affected: yes. Observed: 1 homozygote. Not counted in ClinVar's aggregate classification.

Literature cited by the submitters: PubMed 21482201 (cited by 5 submitters); PubMed 35111200 (cited by DNA Repair Laboratory, Institute of Biomedical Sciences - University of Sao Paulo); PubMed 32239545 (cited by DNA Repair Laboratory, Institute of Biomedical Sciences - University of Sao Paulo); PubMed 29569758 (cited by DNA Repair Laboratory, Institute of Biomedical Sciences - University of Sao Paulo); PubMed 31017654 (cited by DNA Repair Laboratory, Institute of Biomedical Sciences - University of Sao Paulo); PubMed 26884178 (cited by DNA Repair Laboratory, Institute of Biomedical Sciences - University of Sao Paulo and Women's Health and Genetics/Laboratory Corporation of America, LabCorp).

NM_004628.5(XPC):c.2251-1G>C

Gene: XPC (XPC complex subunit, DNA damage recognition and repair factor; minus strand). Cytogenetic location: 3p25.1.
Variant type: single nucleotide variant.
Coding change: c.2251-1G>C on transcript NM_004628.5 (MANE Select); the canonical splice acceptor site of the intron before coding-DNA position 2251, G replaced by C.
Molecular consequence: splice acceptor variant.
Genome position (GRCh38, 1-based): chr3:14,148,732, C>G on the plus strand (G>C on the coding strand, the complement: XPC is on the minus strand). VCF-style: chr3-14148732-C-G. GRCh37 (hg19) VCF-style: chr3-14190232-C-G.
Other names: c.2233-1G>C (NM_001354729.2); c.1672-1G>C (NM_001354726.2); c.2005-1G>C (NM_001354730.2); c.2245-1G>C (NM_001354727.2).
Identifiers: ClinVar variation 190213 (VCV000190213.62), dbSNP rs754673606, ClinGen allele CA274757.